The following is an entry in ClinVar:

NM_022167.4(XYLT2):c.810C>T (p.Ser270=)

Gene: XYLT2 (xylosyltransferase 2; plus strand). Cytogenetic location: 17q21.33.
Variant type: single nucleotide variant.
Coding change: c.810C>T on transcript NM_022167.4 (MANE Select); coding-DNA position 810, C replaced by T.
Protein change: p.Ser270=; no amino-acid change (serine 270 retained).
Molecular consequence: synonymous variant.
Genome position (GRCh38, 1-based): chr17:50,354,859, C>T. VCF-style: chr17-50354859-C-T. GRCh37 (hg19) VCF-style: chr17-48432220-C-T.
Identifiers: ClinVar variation 1653976 (VCV001653976.11), dbSNP rs76588845, ClinGen allele CA8646282.

ClinVar aggregate classification (germline): Likely benign. Review status: criteria provided, multiple submitters, no conflicts (2 of 4 stars). 3 submissions from 3 submitters: Likely benign (2). 1 of the submissions does not count toward it. Last evaluated 2024-11-02.

Conditions:
XYLT2-related disorder. Also called: XYLT2-related condition.

Allele frequency attached by ClinVar (database versions not stated): gnomAD exomes 0.00010 and 0.00039; ExAC 0.00013; 1000 Genomes Project 30x 0.00125; 1000 Genomes Project 0.00160.
gnomAD v4.1: 596 of 1,613,406 alleles (0.037%); highest among the groups gnomAD compares: East Asian, 1.3%; 4 homozygotes.

Submissions (3):

Labcorp Genetics (formerly Invitae), Labcorp
Classification: Likely benign. Last evaluated: 2024-11-02. Review status: criteria provided, single submitter. Criteria: Invitae Variant Classification Sherloc (09022015). Collection method: clinical testing. Allele origin: germline.

Blueprint Genetics
Classification: Likely benign. Last evaluated: 2023-11-14. Review status: criteria provided, single submitter. Criteria: ACMG Guidelines, 2015. Collection method: clinical testing. Allele origin: germline.

PreventionGenetics, part of Exact Sciences
Classification: Likely benign for XYLT2-related condition. Last evaluated: 2020-08-21. Review status: no assertion criteria provided. Collection method: clinical testing. Allele origin: germline. Not counted in ClinVar's aggregate classification.
Comment: This variant is classified as likely benign based on ACMG/AMP sequence variant interpretation guidelines (Richards et al. 2015 PMID: 25741868, with internal and published modifications).